The following is an entry in ClinVar:

ClinVar aggregate classification (germline): Uncertain significance (1 of 4 stars; one submission).

Conditions:
Cardiovascular phenotype. Identifiers: MedGen CN230736.

gnomAD v4.1: 4 of 1,612,394 alleles (0.00025%); highest among the groups gnomAD compares: East Asian, 0.0045%; no homozygotes.

Submission:

Ambry Genetics
Classification: Uncertain significance for Cardiovascular phenotype. Last evaluated: 2025-09-28. Review status: criteria provided, single submitter. Criteria: Ambry Variant Classification Scheme 2023. Collection method: clinical testing. Allele origin: germline.
Comment: The p.R65H variant (also known as c.194G>A), located in coding exon 3 of the EPHB4 gene, results from a G to A substitution at nucleotide position 194. The arginine at codon 65 is replaced by histidine, an amino acid with highly similar properties. This amino acid position is conserved. In addition, this alteration is predicted to be tolerated by in silico analysis. Based on the available evidence, the clinical significance of this variant remains unclear.

NM_004444.5(EPHB4):c.194G>A (p.Arg65His)

Gene: EPHB4 (EPH receptor B4; minus strand). Cytogenetic location: 7q22.1.
Variant type: single nucleotide variant.
Coding change: c.194G>A on transcript NM_004444.5 (MANE Select); coding-DNA position 194, G replaced by A.
Protein change: p.Arg65His; replaces arginine 65 with histidine.
Molecular consequence: missense variant.
Genome position (GRCh38, 1-based): chr7:100,823,861, C>T on the plus strand (G>A on the coding strand, the complement: EPHB4 is on the minus strand). VCF-style: chr7-100823861-C-T. GRCh37 (hg19) VCF-style: chr7-100421483-C-T.
Other names: short protein forms R65H.
Identifiers: ClinVar variation 4614127 (VCV004614127.1).
Genomic context (GRCh38, chr7:100,823,861, plus strand): 5'-TGGACGGCGCCCCGCCGTGGGACCCAACCTGTGCGAAGCCAGTGGGCCTGGCCCGGGGCA[C>T]GCTGCACGTCACACACTTCGTAGGTGCGCACGCTGTGCTGTTCCTCATCCAGGCCGCTCA-3'
Protein context (NP_004435.3, residues 55-75): VRTYEVCDVQ[Arg65His]APGQAHWLRT